The following is an entry in ClinVar:

NM_001277115.2(DNAH11):c.7828G>A (p.Val2610Met)

Gene: DNAH11 (dynein axonemal heavy chain 11; plus strand). Cytogenetic location: 7p15.3.
Variant type: single nucleotide variant.
Coding change: c.7828G>A on transcript NM_001277115.2 (MANE Select); coding-DNA position 7828, G replaced by A.
Protein change: p.Val2610Met; replaces valine 2610 with methionine.
Molecular consequence: missense variant.
Genome position (GRCh38, 1-based): chr7:21,739,587, G>A. VCF-style: chr7-21739587-G-A. GRCh37 (hg19) VCF-style: chr7-21779205-G-A.
Other names: short protein forms V2610M.
Identifiers: ClinVar variation 4242002 (VCV004242002.1).
Genomic context (GRCh38, chr7:21,739,587, plus strand): 5'-CATCTCCAGTTTTTGGATTTAAGGTTCTGTTTTCTGTCTTTCAGGTATGATAGACAGAAG[G>A]TGATGCTTAAAGAAATCCATAACTGCCAGTATGTCGCCTGCATGAATCCGATGGTGGGCA-3'
Protein context (NP_001264044.1, residues 2600-2620): DYGHWYDRQK[Val2610Met]MLKEIHNCQY

ClinVar aggregate classification (germline): Uncertain significance (1 of 4 stars; one submission).

Conditions:
Primary ciliary dyskinesia. Also called: Ciliary dyskinesia. Identifiers: Orphanet 244, MedGen C0008780, MONDO:0016575, HP:0012265.

gnomAD v4.1: 4 of 1,612,090 alleles (0.00025%); highest among the groups gnomAD compares: Middle Eastern, 0.017%; no homozygotes.

Submission:

Ambry Genetics
Classification: Uncertain significance for Primary ciliary dyskinesia. Last evaluated: 2025-09-03. Review status: criteria provided, single submitter. Criteria: Ambry Variant Classification Scheme 2023. Collection method: clinical testing. Allele origin: germline.
Comment: The p.V2610M variant (also known as c.7828G>A), located in coding exon 48 of the DNAH11 gene, results from a G to A substitution at nucleotide position 7828. The valine at codon 2610 is replaced by methionine, an amino acid with highly similar properties. This amino acid position is conserved. In addition, this alteration is predicted to be tolerated by in silico analysis. Based on the available evidence, the clinical significance of this variant remains unclear.